The following is an entry in ClinVar:

ClinVar aggregate classification (germline): Likely benign. Review status: criteria provided, multiple submitters, no conflicts (2 of 4 stars). 4 submissions from 4 submitters: Likely benign (2). 2 of the submissions do not count toward it. Last evaluated 2026-01-18.

Conditions:
Ulnar-mammary syndrome (UMS). Also called: PALLISTER ULNAR-MAMMARY SYNDROME; SCHINZEL SYNDROME; Ulnar-mammary syndrome of Pallister. Identifiers: Orphanet 3138, MedGen C1866994, MONDO:0008411, OMIM 181450.
Obesity. Also called: Obesity disorder. Identifiers: Orphanet 71529, MedGen C0028754, MeSH D009765, MONDO:0011122, HP:0001513.
TBX3-related disorder. Also called: TBX3-related condition.

Allele frequency attached by ClinVar (database versions not stated): gnomAD exomes 0.00025; ExAC 0.00035; 1000 Genomes Project 0.00060; 1000 Genomes Project 30x 0.00062; ESP Exome Variant Server 0.00077; gnomAD 0.00100 and 0.00105; TOPMed 0.00102.
gnomAD v4.1: 313 of 1,607,544 alleles (0.019%); highest among the groups gnomAD compares: African/African-American, 0.35%; 1 homozygote.

Submissions (4):

Labcorp Genetics (formerly Invitae), Labcorp
Classification: Likely benign for Ulnar-mammary syndrome. Last evaluated: 2026-01-18. Review status: criteria provided, single submitter. Criteria: Invitae Variant Classification Sherloc (09022015). Collection method: clinical testing. Allele origin: germline.

Eurofins Ntd Llc (ga)
Classification: Likely benign. Last evaluated: 2017-01-23. Review status: criteria provided, single submitter. Criteria: EGL Classification Definitions 2015. Collection method: clinical testing. Allele origin: germline. Observed: 1 variant allele, 1 heterozygote.

PreventionGenetics, part of Exact Sciences
Classification: Likely benign for TBX3-related condition. Last evaluated: 2021-08-02. Review status: no assertion criteria provided. Collection method: clinical testing. Allele origin: germline. Not counted in ClinVar's aggregate classification.
Comment: This variant is classified as likely benign based on ACMG/AMP sequence variant interpretation guidelines (Richards et al. 2015 PMID: 25741868, with internal and published modifications).

Dash Lab, University Health Network
Classification: Benign for Inherited obesity. Last evaluated: 2018-05-01. Review status: no assertion criteria provided. Collection method: research. Allele origin: germline. Affected: yes. Observed: 2 variant alleles. Not counted in ClinVar's aggregate classification.
Comment: Obesity with no other associated features

NM_005996.4(TBX3):c.1208G>A (p.Arg403Gln)

Gene: TBX3 (T-box transcription factor 3; minus strand). Cytogenetic location: 12q24.21.
Variant type: single nucleotide variant.
Coding change: c.1208G>A on transcript NM_005996.4 (MANE Select); coding-DNA position 1208, G replaced by A.
Protein change: p.Arg403Gln; replaces arginine 403 with glutamine.
Molecular consequence: missense variant.
Genome position (GRCh38, 1-based): chr12:114,674,667, C>T on the plus strand (G>A on the coding strand, the complement: TBX3 is on the minus strand). VCF-style: chr12-114674667-C-T. GRCh37 (hg19) VCF-style: chr12-115112472-C-T.
Other names: c.1268G>A, p.Arg423Gln (NM_016569.4); c.1268G>A (NM_016569.3); short protein forms R403Q, R423Q.
Identifiers: ClinVar variation 499463 (VCV000499463.19), dbSNP rs145432134, ClinGen allele CA6809969.
Genomic context (GRCh38, chr12:114,674,667, plus strand): 5'-GAGATGGTGGCGGGGCTATGGCGTGAGTCGGGCGACGCTTTGTCCAGCCGCCCGCTGTCC[C>T]GGGGCCGCTCAGCAGCGAAAAGGTGAGCCTTGACCGCGGGGCTGCCCTTGTCACGGCAGG-3'
Protein context (NP_005987.3, residues 393-413): KAHLFAAERP[Arg403Gln]DSGRLDKASP